The following is an entry in ClinVar:

NM_001276270.2(MBD4):c.590A>G (p.Glu197Gly)

Gene: MBD4 (methyl-CpG binding domain 4, DNA glycosylase; minus strand). Cytogenetic location: 3q21.3.
Variant type: single nucleotide variant.
Coding change: c.590A>G on transcript NM_001276270.2 (MANE Select); coding-DNA position 590, A replaced by G.
Protein change: p.Glu197Gly; replaces glutamic acid 197 with glycine.
Molecular consequence: missense variant. On other transcripts: intron variant (1).
Genome position (GRCh38, 1-based): chr3:129,437,054, T>C on the plus strand (A>G on the coding strand, the complement: MBD4 is on the minus strand). VCF-style: chr3-129437054-T-C. GRCh37 (hg19) VCF-style: chr3-129155897-T-C.
Other names: c.590A>G, p.Glu197Gly (NM_001276271.2, NM_001276272.2, NM_003925.3); c.247+754A>G (NM_001276273.2); short protein forms E197G.
Identifiers: ClinVar variation 3677261 (VCV003677261.3).

ClinVar aggregate classification (germline): Uncertain significance. Review status: criteria provided, multiple submitters, no conflicts (2 of 4 stars). 2 submissions from 2 submitters: Uncertain significance (2). Last evaluated 2025-07-29.

Conditions:
Inborn genetic diseases. Identifiers: MedGen C0950123, MeSH D030342.

gnomAD v4.1: 1 of 1,614,212 alleles (0.000062%); no homozygotes.

Submissions (2):

Ambry Genetics
Classification: Uncertain significance for Inborn genetic diseases. Last evaluated: 2025-07-29. Review status: criteria provided, single submitter. Criteria: Ambry Variant Classification Scheme 2023. Collection method: clinical testing. Allele origin: germline.
Comment: The p.E197G variant (also known as c.590A>G), located in coding exon 3 of the MBD4 gene, results from an A to G substitution at nucleotide position 590. The glutamic acid at codon 197 is replaced by glycine, an amino acid with similar properties. This amino acid position is conserved. In addition, the in silico prediction for this alteration is inconclusive. Based on the available evidence, the clinical significance of this variant remains unclear.

Labcorp Genetics (formerly Invitae), Labcorp
Classification: Uncertain significance. Last evaluated: 2024-06-03. Review status: criteria provided, single submitter. Criteria: Invitae Variant Classification Sherloc (09022015). Collection method: clinical testing. Allele origin: germline.
Comment: This sequence change replaces glutamic acid, which is acidic and polar, with glycine, which is neutral and non-polar, at codon 197 of the MBD4 protein (p.Glu197Gly). This variant is not present in population databases (gnomAD no frequency). This variant has not been reported in the literature in individuals affected with MBD4-related conditions. An algorithm developed to predict the effect of missense changes on protein structure and function (PolyPhen-2) suggests that this variant is likely to be disruptive. In summary, the available evidence is currently insufficient to determine the role of this variant in disease. Therefore, it has been classified as a Variant of Uncertain Significance.